The following is an entry in ClinVar:

ClinVar aggregate classification (germline): Conflicting classifications of pathogenicity. Review status: criteria provided, conflicting classifications (1 of 4 stars). 2 submissions from 2 submitters: Uncertain significance (1); Likely benign (1). Last evaluated 2024-10-30.

Conditions:
Hyperphosphatasia with impaired intellectual development syndrome 2. Also called: Hyperphosphatasia with intellectual disability syndrome 2; GLYCOSYLPHOSPHATIDYLINOSITOL BIOSYNTHESIS DEFECT 6. Identifiers: Orphanet 247262, MedGen C3553637, MONDO:0013882, OMIM 614749.

Allele frequency attached by ClinVar (database versions not stated): gnomAD 0.00001; TOPMed 0.00001; gnomAD exomes 0.00001; ExAC 0.00002.
gnomAD v4.1: 10 of 1,613,458 alleles (0.00062%); highest among the groups gnomAD compares: Non-Finnish European, 0.00076%; no homozygotes.

Submissions (2):

Labcorp Genetics (formerly Invitae), Labcorp
Classification: Uncertain significance for Hyperphosphatasia with impaired intellectual development syndrome 2. Last evaluated: 2024-10-30. Review status: criteria provided, single submitter. Criteria: Invitae Variant Classification Sherloc (09022015). Collection method: clinical testing. Allele origin: germline.
Comment: This sequence change replaces arginine, which is basic and polar, with histidine, which is basic and polar, at codon 690 of the PIGO protein (p.Arg690His). This variant is present in population databases (rs778578535, gnomAD 0.003%). This variant has not been reported in the literature in individuals affected with PIGO-related conditions. ClinVar contains an entry for this variant (Variation ID: 1020535). Invitae Evidence Modeling of protein sequence and biophysical properties (such as structural, functional, and spatial information, amino acid conservation, physicochemical variation, residue mobility, and thermodynamic stability) indicates that this missense variant is not expected to disrupt PIGO protein function with a negative predictive value of 95%. In summary, the available evidence is currently insufficient to determine the role of this variant in disease. Therefore, it has been classified as a Variant of Uncertain Significance.

Blueprint Genetics
Classification: Likely benign. Last evaluated: 2023-01-23. Review status: criteria provided, single submitter. Criteria: ACMG Guidelines, 2015. Collection method: clinical testing. Allele origin: germline.

NM_032634.4(PIGO):c.2069G>A (p.Arg690His)

Gene: PIGO (phosphatidylinositol glycan anchor biosynthesis class O; minus strand). Cytogenetic location: 9p13.3.
Variant type: single nucleotide variant.
Coding change: c.2069G>A on transcript NM_032634.4 (MANE Select); coding-DNA position 2069, G replaced by A.
Protein change: p.Arg690His; replaces arginine 690 with histidine.
Molecular consequence: missense variant. On other transcripts: intron variant (2).
Genome position (GRCh38, 1-based): chr9:35,091,818, C>T on the plus strand (G>A on the coding strand, the complement: PIGO is on the minus strand). VCF-style: chr9-35091818-C-T. GRCh37 (hg19) VCF-style: chr9-35091815-C-T.
Other names: c.1345-527G>A (NM_152850.4, NM_001201484.2); short protein forms R690H.
Identifiers: ClinVar variation 1020535 (VCV001020535.6), dbSNP rs778578535, ClinGen allele CA5040507.